The following is an entry in ClinVar:

NM_138927.4(SON):c.925T>A (p.Ser309Thr)

Gene: SON (SON DNA and RNA binding protein; plus strand). Cytogenetic location: 21q22.11.
Variant type: single nucleotide variant.
Coding change: c.925T>A on transcript NM_138927.4 (MANE Select); coding-DNA position 925, T replaced by A.
Protein change: p.Ser309Thr; replaces serine 309 with threonine.
Molecular consequence: missense variant. On other transcripts: non-coding transcript variant (1), intron variant (1).
Genome position (GRCh38, 1-based): chr21:33,550,156, T>A. VCF-style: chr21-33550156-T-A. GRCh37 (hg19) VCF-style: chr21-34922462-T-A.
Other names: c.925T>A, p.Ser309Thr (NM_001291411.2, NM_001412133.1, NM_032195.3 and 2 more transcripts); c.244+3777T>A (NM_001291412.3); short protein forms S309T.
Identifiers: ClinVar variation 3033073 (VCV003033073.2), dbSNP rs1392490860, ClinGen allele CA410152786.
Genomic context (GRCh38, chr21:33,550,156, plus strand): 5'-ATCATGTTGGTAGAGCCCCCAGTAGCAAAAGTGTTAGAGCCTTCAGAAACCCTTGTGGTA[T>A]CATCAGAGACACCTACTGAGGTGTACCCTGAGCCAAGCACATCAACAACAATGGATTTTC-3'
Protein context (NP_620305.3, residues 299-319): VLEPSETLVV[Ser309Thr]SETPTEVYPE

ClinVar aggregate classification (germline): Uncertain significance (0 of 4 stars; one submission).

Conditions:
SON-related disorder. Also called: SON-related condition.

Submission:

PreventionGenetics, part of Exact Sciences
Classification: Uncertain significance for SON-related condition. Last evaluated: 2023-12-06. Review status: no assertion criteria provided. Collection method: clinical testing. Allele origin: germline.
Comment: The SON c.925T>A variant is predicted to result in the amino acid substitution p.Ser309Thr. To our knowledge, this variant has not been reported in the literature or in a large population database, indicating this variant is rare. At this time, the clinical significance of this variant is uncertain due to the absence of conclusive functional and genetic evidence.